The following is an entry in ClinVar:

NM_000246.4(CIITA):c.1683C>T (p.Asp561=)

Gene: CIITA (class II major histocompatibility complex transactivator; plus strand). Cytogenetic location: 16p13.13.
Variant type: single nucleotide variant.
Coding change: c.1683C>T on transcript NM_000246.4 (MANE Select); coding-DNA position 1683, C replaced by T.
Protein change: p.Asp561=; no amino-acid change (aspartic acid 561 retained).
Molecular consequence: synonymous variant. On other transcripts: intron variant (1).
Genome position (GRCh38, 1-based): chr16:10,907,175, C>T. VCF-style: chr16-10907175-C-T. GRCh37 (hg19) VCF-style: chr16-11001032-C-T.
Other names: c.1686C>T, p.Asp562= (NM_001286402.1, NM_001379332.1); c.1539C>T, p.Asp513= (NM_001379330.1); c.1536C>T, p.Asp512= (NM_001379331.1); c.1683C>T, p.Asp561= (NM_001379333.1); c.1614C>T, p.Asp538= (NM_001379334.1); c.860-1808C>T (NM_001286403.2).
Identifiers: ClinVar variation 723299 (VCV000723299.14), dbSNP rs76686583, ClinGen allele CA7900199.
Genomic context (GRCh38, chr16:10,907,175, plus strand): 5'-CACCCTCCTCCTCACAGCCCGGCCCCGGGGCCGCCTGGTCCAGAGCCTGAGCAAGGCCGA[C>T]GCCCTATTTGAGCTGTCCGGCTTCTCCATGGAGCAGGCCCAGGCATACGTGATGCGCTAC-3'
Protein context (NP_000237.2, residues 551-571): GRLVQSLSKA[Asp561=]ALFELSGFSM

ClinVar aggregate classification (germline): Likely benign. Review status: criteria provided, multiple submitters, no conflicts (2 of 4 stars). 4 submissions from 4 submitters: Likely benign (2). 2 of the submissions do not count toward it. Last evaluated 2026-01-19.

Conditions:
CIITA-related disorder. Also called: CIITA-related condition.
MHC class II deficiency. Also called: BLS, TYPE II; Bare lymphocyte syndrome 2. Identifiers: Orphanet 572, MedGen C5447452, MONDO:0008855.

Allele frequency attached by ClinVar (database versions not stated): gnomAD exomes 0.00002; ExAC 0.00004; gnomAD 0.00007; TOPMed 0.00010.
gnomAD v4.1: 55 of 1,613,234 alleles (0.0034%); highest among the groups gnomAD compares: African/African-American, 0.012%; no homozygotes.

Submissions (4):

Labcorp Genetics (formerly Invitae), Labcorp
Classification: Likely benign for MHC class II deficiency. Last evaluated: 2026-01-19. Review status: criteria provided, single submitter. Criteria: Invitae Variant Classification Sherloc (09022015). Collection method: clinical testing. Allele origin: germline.

Blueprint Genetics
Classification: Likely benign. Last evaluated: 2024-06-11. Review status: criteria provided, single submitter. Criteria: ACMG Guidelines, 2015. Collection method: clinical testing. Allele origin: germline.

Natera, Inc.
Classification: Uncertain significance for Bare lymphocyte syndrome type II. Last evaluated: 2020-03-11. Review status: no assertion criteria provided. Collection method: clinical testing. Allele origin: germline. Not counted in ClinVar's aggregate classification.

PreventionGenetics, part of Exact Sciences
Classification: Likely benign for CIITA-related condition. Last evaluated: 2019-03-26. Review status: no assertion criteria provided. Collection method: clinical testing. Allele origin: germline. Not counted in ClinVar's aggregate classification.
Comment: This variant is classified as likely benign based on ACMG/AMP sequence variant interpretation guidelines (Richards et al. 2015 PMID: 25741868, with internal and published modifications).